The following is an entry in ClinVar:

NM_001297.5(CNGB1):c.242C>G (p.Ser81Cys)

Gene: CNGB1 (cyclic nucleotide gated channel subunit beta 1; minus strand). Cytogenetic location: 16q21.
Variant type: single nucleotide variant.
Coding change: c.242C>G on transcript NM_001297.5 (MANE Select); coding-DNA position 242, C replaced by G.
Protein change: p.Ser81Cys; replaces serine 81 with cysteine.
Molecular consequence: missense variant.
Genome position (GRCh38, 1-based): chr16:57,964,178, G>C on the plus strand (C>G on the coding strand, the complement: CNGB1 is on the minus strand). VCF-style: chr16-57964178-G-C. GRCh37 (hg19) VCF-style: chr16-57998082-G-C.
Other names: c.242C>G, p.Ser81Cys (NM_001135639.2, NM_001286130.2); short protein forms S81C.
Identifiers: ClinVar variation 969341 (VCV000969341.9), dbSNP rs1962331329, ClinGen allele CA396080187.
Genomic context (GRCh38, chr16:57,964,178, plus strand): 5'-GTGGTGCAGTACCTATTCATTTCAGAAATCTCAGCGCCCTGGGCCCGGAGGGATATGGTG[G>C]AAGTAAGGGCAGCCTCCTTGGTCTCTGGAAAAGAATCTCTCATCCTTCAGATCTAGGGCC-3'
Protein context (NP_001288.3, residues 71-91): PQETKEAALT[Ser81Cys]TISLRAQGAE

ClinVar aggregate classification (germline): Uncertain significance (1 of 4 stars; one submission).

Submission:

Labcorp Genetics (formerly Invitae), Labcorp
Classification: Uncertain significance. Last evaluated: 2019-10-30. Review status: criteria provided, single submitter. Criteria: Invitae Variant Classification Sherloc (09022015). Collection method: clinical testing. Allele origin: germline.
Comment: This sequence change replaces serine with cysteine at codon 81 of the CNGB1 protein (p.Ser81Cys). The serine residue is weakly conserved and there is a moderate physicochemical difference between serine and cysteine. This variant is not present in population databases (ExAC no frequency). This variant has not been reported in the literature in individuals with CNGB1-related conditions. Algorithms developed to predict the effect of missense changes on protein structure and function (SIFT, PolyPhen-2, Align-GVGD) all suggest that this variant is likely to be tolerated, but these predictions have not been confirmed by published functional studies and their clinical significance is uncertain. In summary, the available evidence is currently insufficient to determine the role of this variant in disease. Therefore, it has been classified as a Variant of Uncertain Significance.